The following is an entry in ClinVar:

NM_001100.4(ACTA1):c.1001C>G (p.Pro334Arg)

Gene: ACTA1 (actin alpha 1, skeletal muscle; minus strand). Cytogenetic location: 1q42.13.
Variant type: single nucleotide variant.
Coding change: c.1001C>G on transcript NM_001100.4 (MANE Select); coding-DNA position 1001, C replaced by G.
Protein change: p.Pro334Arg; replaces proline 334 with arginine.
Molecular consequence: missense variant.
Genome position (GRCh38, 1-based): chr1:229,431,632, G>C on the plus strand (C>G on the coding strand, the complement: ACTA1 is on the minus strand). VCF-style: chr1-229431632-G-C. GRCh37 (hg19) VCF-style: chr1-229567379-G-C.
Other names: NM_001100.4(ACTA1):c.1001C>G; p.Pro334Arg; short protein forms P334R.
Identifiers: ClinVar variation 1031829 (VCV001031829.11), dbSNP rs1553255312, ClinGen allele CA345144971.

ClinVar aggregate classification (germline): Pathogenic. Review status: reviewed by expert panel (3 of 4 stars). 3 submissions from 3 submitters: Pathogenic (1). 2 of the submissions do not count toward it. Last evaluated 2024-08-27.

Conditions:
Actin accumulation myopathy (CMYO2A). Also called: CONGENITAL MYOPATHY 2A, TYPICAL, AUTOSOMAL DOMINANT; Nemaline myopathy type 3; Myopathy, actin, congenital, with excess of thin myofilaments; Myopathy, actin, congenital, with cores; Nemaline myopathy 3, with intranuclear rods. Identifiers: Orphanet 98904, MedGen C3711389, MONDO:0008070, OMIM 161800.
Alpha-actinopathy. Also called: Actinopathy. Identifiers: MedGen CN295279, MONDO:0100084.

Submissions (3):

ClinGen Congenital Myopathies Variant Curation Expert Panel, ClinGen
Classification: Pathogenic for Alpha-actinopathy. Last evaluated: 2024-08-27. Review status: reviewed by expert panel. Criteria: ClinGen CongenMyopathy ACMG Specifications ACTA1_AD_ V2.0.0. Collection method: curation. Allele origin: germline. Inheritance: Autosomal dominant inheritance.
Comment: The c.1001C>G variant in ACTA1 is a missense variant predicted to cause a substitution of proline by arginine at amino acid position 334. This variant is absent from gnomAD v4.1.1 (PM2_Supporting). The computational predictor REVEL gives a score of 0.893, which is above the threshold of 0.7 set by the CM VCEP (PP3). ACTA1, in which the variant was identified, is defined by the ClinGen Congenital Myopathies VCEP as a gene that has a low rate of benign missense variation and where pathogenic missense variants are a common mechanism of disease (PP2). This variant has been identified as a de novo occurrence with confirmed parental relationships in one individual and as a de novo occurrence with unconfirmed parental relationships in one individual with alpha-actinopathy (PS4_Supporting, PS2; Invitae internal data; PMID: 19562689,). Another missense variant c.1000C>T, p.Pro334Ser (PMID: 15468086) in the same codon has been classified as likely pathogenic for autosomal dominant alpha-actinopathy by the ClinGen Congenital Myopathies VCEP (PM5). In summary, this variant meets the criteria to be classified as pathogenic for autosomal dominant alpha-actinopathy based on the ACMG/AMP criteria applied, as specified by the ClinGen Congenital Myopathies VCEP:PS2, PM5, PS4_Supporting, PM2_Supporting, PP2, PP3 (Congenital Myopathies VCEP specifications version 2; 08/27/2024).

Labcorp Genetics (formerly Invitae), Labcorp
Classification: Pathogenic for Actin accumulation myopathy. Last evaluated: 2024-02-23. Review status: criteria provided, single submitter. Criteria: Invitae Variant Classification Sherloc (09022015). Collection method: clinical testing. Allele origin: germline. Not counted in ClinVar's aggregate classification.
Comment: This sequence change replaces proline, which is neutral and non-polar, with arginine, which is basic and polar, at codon 334 of the ACTA1 protein (p.Pro334Arg). This variant is not present in population databases (gnomAD no frequency). This missense change has been observed in individual(s) with clinical features of congenital myopathy (PMID: 32154989; Invitae). In at least one individual the variant was observed to be de novo. ClinVar contains an entry for this variant (Variation ID: 1031829). Advanced modeling of protein sequence and biophysical properties (such as structural, functional, and spatial information, amino acid conservation, physicochemical variation, residue mobility, and thermodynamic stability) performed at Invitae indicates that this missense variant is not expected to disrupt ACTA1 protein function with a negative predictive value of 80%. For these reasons, this variant has been classified as Pathogenic.

Baylor Genetics
Classification: Likely pathogenic for Actin accumulation myopathy. Last evaluated: 2018-10-08. Review status: criteria provided, single submitter. Criteria: ACMG Guidelines, 2015. Collection method: clinical testing. Allele origin: unknown. Affected: yes. Not counted in ClinVar's aggregate classification.
Comment: This variant was determined to be likely pathogenic according to ACMG Guidelines, 2015 [PMID:25741868]. This variant has been previously reported as a de novo variant in a patient with possible nemaline myopathy [PMID 19562689]

Literature cited by the submitters: PubMed 32154989 (cited by Labcorp Genetics (formerly Invitae), Labcorp); PubMed 19562689 (cited by Baylor Genetics).